The following is an entry in ClinVar:

NM_144687.4(NLRP12):c.2954A>T (p.Lys985Met)

Gene: NLRP12 (NLR family pyrin domain containing 12; minus strand). Cytogenetic location: 19q13.42.
Variant type: single nucleotide variant.
Coding change: c.2954A>T on transcript NM_144687.4 (MANE Select); coding-DNA position 2954, A replaced by T.
Protein change: p.Lys985Met; replaces lysine 985 with methionine.
Molecular consequence: missense variant.
Genome position (GRCh38, 1-based): chr19:53,796,003, T>A on the plus strand (A>T on the coding strand, the complement: NLRP12 is on the minus strand). VCF-style: chr19-53796003-T-A. GRCh37 (hg19) VCF-style: chr19-54299257-T-A.
Other names: c.2957A>T, p.Lys986Met (NM_001277126.2); c.2783A>T, p.Lys928Met (NM_001277129.1); short protein forms K928M, K986M, K985M.
Identifiers: ClinVar variation 2804527 (VCV002804527.3), dbSNP rs993368284, ClinGen allele CA310058221.
Genomic context (GRCh38, chr19:53,796,003, plus strand): 5'-AGGTAAAGGTCGGTCAAGGTCTGGTTGATCCCCAGGGTGAAGTAAAGATTCTCACAAGCC[T>A]TGGCTGTGAGGCCACAGCTATCCAGCCTGGTGAAGATAAGGAGTTGGTTAAGGTAACACC-3'
Protein context (NP_653288.1, residues 975-995): LWLDSCGLTA[Lys985Met]ACENLYFTLG

ClinVar aggregate classification (germline): Uncertain significance (1 of 4 stars; one submission).

Conditions:
Familial cold autoinflammatory syndrome 2 (FCAS2). Identifiers: Orphanet 247868, MedGen C2673198, MONDO:0012724, OMIM 611762.

Allele frequency attached by ClinVar (database versions not stated): gnomAD exomes 0.00001.
gnomAD v4.1: 3 of 1,614,070 alleles (0.00019%); highest among the groups gnomAD compares: Middle Eastern, 0.033%; no homozygotes.

Submission:

Labcorp Genetics (formerly Invitae), Labcorp
Classification: Uncertain significance for Familial cold autoinflammatory syndrome 2. Last evaluated: 2023-07-26. Review status: criteria provided, single submitter. Criteria: Invitae Variant Classification Sherloc (09022015). Collection method: clinical testing. Allele origin: germline.
Comment: This sequence change replaces lysine, which is basic and polar, with methionine, which is neutral and non-polar, at codon 985 of the NLRP12 protein (p.Lys985Met). This variant is not present in population databases (gnomAD no frequency). This variant has not been reported in the literature in individuals affected with NLRP12-related conditions. Experimental studies and prediction algorithms are not available or were not evaluated, and the functional significance of this variant is currently unknown. In summary, the available evidence is currently insufficient to determine the role of this variant in disease. Therefore, it has been classified as a Variant of Uncertain Significance.